The following is an entry in ClinVar:

NC_000010.10:g.(?_72179670)_(72360658_?)dup

Genes: EIF4EBP2 (eukaryotic translation initiation factor 4E binding protein 2; plus strand), NODAL (nodal growth differentiation factor; minus strand), PALD1 (phosphatase domain containing paladin 1; plus strand), PRF1 (perforin 1; minus strand). Cytogenetic location: 10q22.1.
Variant type: Duplication.
Identifiers: ClinVar variation 1022610 (VCV001022610.7).

ClinVar aggregate classification (germline): Uncertain significance. Review status: criteria provided, single submitter (1 of 4 stars). 2 submissions from 1 submitter: Uncertain significance (2). Last evaluated 2017-12-31.

Conditions:
Heterotaxy, visceral, 5, autosomal (HTX5). Also called: Heterotaxy, visceral, 5. Identifiers: Orphanet 450, MedGen C3495537, MONDO:0700112, OMIM 270100.
Familial hemophagocytic lymphohistiocytosis 2 (FHL2). Also called: PRF1-Related Familial Hemophagocytic Lymphohistiocytosis (PRF1-fHLH). Identifiers: Orphanet 540, MedGen C1863727, MONDO:0011337, OMIM 603553.

Submissions (2):

Labcorp Genetics (formerly Invitae), Labcorp
Classification: Uncertain significance for Heterotaxy, visceral, 5, autosomal. Last evaluated: 2017-12-31. Review status: criteria provided, single submitter. Criteria: Invitae Variant Classification Sherloc (09022015). Collection method: clinical testing. Allele origin: germline.
Comment: In summary, the available evidence is currently insufficient to determine the role of this variant in disease. Therefore, it has been classified as a Variant of Uncertain Significance. This variant has not been reported in the literature in individuals with NODAL-related disease. A gross duplication of the genomic region encompassing the full coding sequence of the NODAL gene has been identified. The boundaries of this event are unknown as the duplication extends beyond the assayed region for this gene and therefore may encompass additional genes. As the precise location of this duplication is unknown, it may be in tandem or it may be located elsewhere in the genome.

Labcorp Genetics (formerly Invitae), Labcorp
Classification: Uncertain significance for Familial hemophagocytic lymphohistiocytosis 2. Last evaluated: 2017-12-31. Review status: criteria provided, single submitter. Criteria: Invitae Variant Classification Sherloc (09022015). Collection method: clinical testing. Allele origin: germline.
Comment: A gross duplication of the genomic region encompassing the full coding sequence of the PRF1 gene has been identified. The boundaries of this event are unknown as the duplication extends beyond the assayed region for this gene and therefore may encompass additional genes. As the precise location of this duplication is unknown, it may be in tandem or it may be located elsewhere in the genome. This variant has not been reported in the literature in individuals with PRF1-related disease. In summary, the available evidence is currently insufficient to determine the role of this variant in disease. Therefore, it has been classified as a Variant of Uncertain Significance.